The following is an entry in ClinVar:

ClinVar aggregate classification (germline): Pathogenic. Review status: criteria provided, multiple submitters, no conflicts (2 of 4 stars). 2 submissions from 2 submitters: Pathogenic (2). Last evaluated 2024-08-30.

Conditions:
Sotos syndrome (SOTOS). Also called: Distinctive facial appearance, overgrowth in childhood, and learning disabilities or delayed development; SOTOS SYNDROME 1; Sotos' syndrome; CHROMOSOME 5q35 DELETION SYNDROME; CEREBRAL GIGANTISM. Identifiers: Orphanet 821, MedGen C0175695, MONDO:0019349, OMIM 117550.

Submissions (2):

3billion
Classification: Pathogenic for Sotos syndrome. Last evaluated: 2024-08-30. Review status: criteria provided, single submitter. Criteria: ACMG Guidelines, 2015. Collection method: clinical testing. Allele origin: germline. Affected: yes.
Comment: The variant is not observed in the gnomAD v4.0.0 dataset. Predicted Consequence/Location: Frameshift: predicted to result in a loss or disruption of normal protein function through nonsense-mediated decay (NMD) or protein truncation. Multiple pathogenic variants are reported downstream of the variant. The variant has been reported to be associated with NSD1-related disorder (ClinVar ID: VCV000279856 /PMID: 28475857). Therefore, this variant is classified as Pathogenic according to the recommendation of ACMG/AMP guideline.

GeneDx
Classification: Pathogenic. Last evaluated: 2016-01-12. Review status: criteria provided, single submitter. Criteria: GeneDx Variant Classification (06012015). Collection method: clinical testing. Allele origin: germline. Affected: yes.
Comment: The c.1212_1213delGA pathogenic variant in the NSD1 gene causes a frameshift starting with codon Lysine 405, changes this amino acid to an Arginine residue and creates a premature Stop codon at position 5 of the new reading frame, denoted p.Lys405ArgfsX5. This pathogenic variant is predicted to cause loss of normal protein function either through protein truncation or nonsense-mediated mRNA decay. Other frameshift variants have been reported in the NSD1 gene in association with Sotos syndrome (Stenson et al., 2014).

Literature cited by the submitters: PubMed 28475857 (cited by 3billion).

NM_022455.5(NSD1):c.1212_1213del (p.Lys405fs)

Gene: NSD1 (nuclear receptor binding SET domain protein 1; plus strand). Cytogenetic location: 5q35.3.
Variant type: Deletion.
Coding change: c.1212_1213del on transcript NM_022455.5 (MANE Select); coding-DNA positions 1212 to 1213, 2 bases deleted (GA; older notation c.1212_1213delGA).
Protein change: p.Lys405fs; shifts the reading frame from lysine 405.
Molecular consequence: frameshift variant.
Genome position (GRCh38, 1-based): chr5:177,204,268-177,204,269, GA deleted; deleting any 2 consecutive bases within chr5:177,204,267-177,204,269 gives the same sequence; the c. name uses the placement nearest the transcript's 3' end. VCF-style (leftmost placement, unchanged base first): chr5-177204266-CAG-C. GRCh37 (hg19) VCF-style: chr5-176631267-CAG-C.
Other names: c.339_340delGA, p.Lys114Argfs (NM_001365684.2, NM_001409306.1, NM_001409307.1 and 3 more transcripts); c.1212_1213delGA, p.Lys405Argfs (NM_001409301.1, NM_001409302.1, NM_001409303.1); c.792_793delGA, p.Lys265Argfs (NM_001409304.1); c.459_460delGA, p.Lys154Argfs (NM_001409305.1); short protein forms K136fs, K405fs.
Identifiers: ClinVar variation 279856 (VCV000279856.3), dbSNP rs886041217, ClinGen allele CA10602980.